The following is an entry in ClinVar:

ClinVar aggregate classification (germline): Pathogenic/Likely pathogenic. Review status: criteria provided, multiple submitters, no conflicts (2 of 4 stars). 4 submissions from 4 submitters: Pathogenic (2); Likely pathogenic (2). Last evaluated 2023-11-01.

Conditions:
PURA-related severe neonatal hypotonia-seizures-encephalopathy syndrome (NEDRIHF). Also called: NEURODEVELOPMENTAL DISORDER WITH NEONATAL RESPIRATORY INSUFFICIENCY, HYPOTONIA, AND FEEDING DIFFICULTIES; PURA-Related Neurodevelopmental Disorders. Identifiers: Orphanet 438213, Orphanet 438216, MedGen C4015357, MONDO:1060108, OMIM 616158, MONDO:0018580.

Submissions (4):

CeGaT Center for Human Genetics Tuebingen
Classification: Likely pathogenic. Last evaluated: 2023-11-01. Review status: criteria provided, single submitter. Criteria: CeGaT Center For Human Genetics Tuebingen Variant Classification Criteria Version 2. Collection method: clinical testing. Allele origin: germline. Affected: yes. Observed: 1 variant allele.
Comment: PURA: PVS1:Strong, PM2, PS2:Moderate

Labcorp Genetics (formerly Invitae), Labcorp
Classification: Pathogenic for PURA-related severe neonatal hypotonia-seizures-encephalopathy syndrome. Last evaluated: 2023-06-25. Review status: criteria provided, single submitter. Criteria: Invitae Variant Classification Sherloc (09022015). Collection method: clinical testing. Allele origin: germline.
Comment: For these reasons, this variant has been classified as Pathogenic. This variant disrupts a region of the PURA protein in which other variant(s) (p.Thr310Asnfs*7) have been determined to be pathogenic (Invitae). This suggests that this is a clinically significant region of the protein, and that variants that disrupt it are likely to be disease-causing. ClinVar contains an entry for this variant (Variation ID: 817057). This variant has not been reported in the literature in individuals affected with PURA-related conditions. The frequency data for this variant in the population databases is considered unreliable, as metrics indicate insufficient coverage at this position in the gnomAD database. This sequence change creates a premature translational stop signal (p.Leu21Glyfs*185) in the PURA gene. While this is not anticipated to result in nonsense mediated decay, it is expected to disrupt the last 302 amino acid(s) of the PURA protein.

Illumina Laboratory Services, Illumina
Classification: Likely pathogenic for PURA-related severe neonatal hypotonia-seizures-encephalopathy syndrome. Last evaluated: 2023-01-18. Review status: criteria provided, single submitter. Criteria: ICSLVariantClassificationCriteria RUGD 01 April 2020. Collection method: clinical testing. Allele origin: unknown.
Comment: The PURA c.45_60dup (p.Leu21GlyfsTer185) variant results in a duplication of 16 nucleotides starting at position c.45 and ending at position c.60, causing a shift in the protein reading frame that is predicted to result in premature termination of the protein. The PURA gene contains only one exon and therefore may escape nonsense-mediated mRNA decay. To our knowledge, this variant has not been reported in the peer-reviewed literature. This variant is not found in version 2.1.1 or version 3.1.2 of the Genome Aggregation Database. Based on the available evidence, the c.45_60dup (p.Leu21GlyfsTer185) variant is classified as likely pathogenic for neurodevelopmental disorder with neonatal respiratory insufficiency, hypotonia, and feeding difficulties.

GeneDx
Classification: Pathogenic. Last evaluated: 2018-04-17. Review status: criteria provided, single submitter. Criteria: GeneDx Variant Classification (06012015). Collection method: clinical testing. Allele origin: germline. Affected: yes.
Comment: The c.45_60dup16 variant in the PURA gene has not been reported previously as a pathogenic variant nor as a benign variant, to our knowledge. The c.45_60dup16 variant causes a frameshift starting with codon Leucine 21, changes this amino acid to a Glycine residue, and creates a premature Stop codon at position 185 of the new reading frame, denoted p.Leu21GlyfsX185. This variant is predicted to cause loss of normal protein function through protein truncation. The c.45_60dup16 variant is not observed in large population cohorts (Lek et al., 2016). We interpret c.45_60dup16 as a pathogenic variant.

NM_005859.5(PURA):c.45_60dup (p.Leu21fs)

Gene: PURA (purine rich element binding protein A; plus strand). Cytogenetic location: 5q31.3.
Variant type: Duplication.
Coding change: c.45_60dup on transcript NM_005859.5 (MANE Select); coding-DNA positions 45 to 60, 16 bases duplicated (GGGTTCGGGCGGCTCC).
Protein change: p.Leu21fs; shifts the reading frame from leucine 21.
Molecular consequence: frameshift variant.
Genome position (GRCh38, 1-based): chr5:140,114,226-140,114,241, GGGTTCGGGCGGCTCC duplicated. VCF-style (leftmost placement, unchanged base first): chr5-140114225-T-TGGGTTCGGGCGGCTCC. GRCh37 (hg19) VCF-style: chr5-139493810-T-TGGGTTCGGGCGGCTCC.
Other names: short protein forms L21fs.
Identifiers: ClinVar variation 817057 (VCV000817057.28), dbSNP rs1581036015, ClinGen allele CA915942629.